The following is an entry in ClinVar:

ClinVar aggregate classification (germline): Uncertain significance (1 of 4 stars; one submission).

Submission:

Labcorp Genetics (formerly Invitae), Labcorp
Classification: Uncertain significance. Last evaluated: 2022-07-19. Review status: criteria provided, single submitter. Criteria: Invitae Variant Classification Sherloc (09022015). Collection method: clinical testing. Allele origin: germline.
Comment: In summary, the available evidence is currently insufficient to determine the role of this variant in disease. Therefore, it has been classified as a Variant of Uncertain Significance. Algorithms developed to predict the effect of missense changes on protein structure and function (SIFT, PolyPhen-2, Align-GVGD) all suggest that this variant is likely to be disruptive. ClinVar contains an entry for this variant (Variation ID: 1360521). This variant has not been reported in the literature in individuals affected with CWC27-related conditions. This variant is not present in population databases (gnomAD no frequency). This sequence change replaces proline, which is neutral and non-polar, with serine, which is neutral and polar, at codon 34 of the CWC27 protein (p.Pro34Ser).

NM_005869.4(CWC27):c.100C>T (p.Pro34Ser)

Gene: CWC27 (CWC27 spliceosome associated cyclophilin; plus strand). Cytogenetic location: 5q12.3.
Variant type: single nucleotide variant.
Coding change: c.100C>T on transcript NM_005869.4 (MANE Select); coding-DNA position 100, C replaced by T.
Protein change: p.Pro34Ser; replaces proline 34 with serine.
Molecular consequence: missense variant.
Genome position (GRCh38, 1-based): chr5:64,774,748, C>T. VCF-style: chr5-64774748-C-T. GRCh37 (hg19) VCF-style: chr5-64070575-C-T.
Other names: c.100C>T, p.Pro34Ser (NM_001297644.1, NM_001297645.2, NM_001318000.2 and 1 more transcripts); short protein forms P34S.
Identifiers: ClinVar variation 1360521 (VCV001360521.6), dbSNP rs141974787, ClinGen allele CA359839372.